The following is an entry in ClinVar:

NM_130839.5(UBE3A):c.538_541del (p.Ala180fs)

Genes: SNHG14 (small nucleolar RNA host gene 14; plus strand), UBE3A (ubiquitin protein ligase E3A; minus strand). Cytogenetic location: 15q11.2.
Variant type: Deletion.
Coding change: c.538_541del on transcript NM_130839.5 (MANE Select); coding-DNA positions 538 to 541, 4 bases deleted (GCAA; older notation c.538_541delGCAA).
Protein change: p.Ala180fs; shifts the reading frame from alanine 180.
Molecular consequence: frameshift variant. On other transcripts: non-coding transcript variant (1), intron variant (2).
Genome position (GRCh38, 1-based): chr15:25,371,633-25,371,636, TTGC deleted on the plus strand (GCAA on the coding strand, the reverse complement: UBE3A is on the minus strand); deleting any 4 consecutive bases within chr15:25,371,633-25,371,639 gives the same sequence; the c. name uses the placement nearest the transcript's 3' end. VCF-style (leftmost placement, unchanged base first): chr15-25371632-TTTGC-T. GRCh37 (hg19) VCF-style: chr15-25616779-TTTGC-T.
Other names: c.547_550del, p.Ala183fs (NM_000462.5); c.538_541del, p.Ala180fs (NM_001354505.1, NM_001354538.2, NM_001354545.2); c.478_481del, p.Ala160fs (NM_001354506.2, NM_001354507.2, NM_001354508.2 and 17 more transcripts); c.361_364del, p.Ala121fs (NM_001354546.2); c.301+3829_301+3832del (NM_001354551.2); c.361+3829_361+3832del (NM_001354550.2); short protein forms A121fs, A160fs, A180fs, A183fs.
Identifiers: ClinVar variation 4293359 (VCV004293359.1).

ClinVar aggregate classification (germline): Likely pathogenic (1 of 4 stars; one submission).

Conditions:
Angelman syndrome (AS). Also called: HAPPY PUPPET SYNDROME. Identifiers: Orphanet 72, MedGen C0162635, MONDO:0007113, OMIM 105830. Disease mechanism: loss of function. Inheritance: AS is caused by disruption of maternally imprinted UBE3A located within the 15q11.2-q13 Angelman syndrome/Prader-Willi syndrome (AS/PWS) region., imprinting disorder.

Submission:

3billion
Classification: Likely pathogenic for Angelman syndrome. Last evaluated: 2024-09-04. Review status: criteria provided, single submitter. Criteria: ACMG Guidelines, 2015. Collection method: clinical testing. Allele origin: germline. Affected: yes.
Comment: The variant is not observed in the gnomAD v4.0.0 dataset. Predicted Consequence/Location: Frameshift: predicted to result in a loss or disruption of normal protein function through nonsense-mediated decay (NMD) or protein truncation. Multiple pathogenic variants are reported downstream of the variant. Therefore, this variant is classified as Likely pathogenic according to the recommendation of ACMG/AMP guideline.